The following is an entry in ClinVar:

ClinVar aggregate classification (germline): Uncertain significance (1 of 4 stars; one submission).

Submission:

Ambry Genetics
Classification: Uncertain significance. Last evaluated: 2023-06-18. Review status: criteria provided, single submitter. Criteria: Ambry Variant Classification Scheme 2023. Collection method: clinical testing. Allele origin: germline.
Comment: The p.Q851R variant (also known as c.2552A>G), located in coding exon 14 of the PKP4 gene, results from an A to G substitution at nucleotide position 2552. The glutamine at codon 851 is replaced by arginine, an amino acid with highly similar properties. This amino acid position is conserved. In addition, this alteration is predicted to be deleterious by in silico analysis. Since supporting evidence is limited at this time, the clinical significance of this alteration remains unclear.

NM_003628.6(PKP4):c.2552A>G (p.Gln851Arg)

Genes: PKP4 (plakophilin 4; plus strand), PKP4-AS1 (PKP4 antisense RNA 1; minus strand). Cytogenetic location: 2q24.1.
Variant type: single nucleotide variant.
Coding change: c.2552A>G on transcript NM_003628.6 (MANE Select); coding-DNA position 2552, A replaced by G.
Protein change: p.Gln851Arg; replaces glutamine 851 with arginine.
Molecular consequence: missense variant.
Genome position (GRCh38, 1-based): chr2:158,663,420, A>G. VCF-style: chr2-158663420-A-G. GRCh37 (hg19) VCF-style: chr2-159519932-A-G.
Other names: c.2552A>G, p.Gln851Arg (NM_001005476.4, NM_001304971.2, NM_001377218.1 and 1 more transcripts); c.2549A>G, p.Gln850Arg (NM_001304969.3, NM_001377219.1, NM_001377220.1 and 2 more transcripts); c.1523A>G, p.Gln508Arg (NM_001304970.3); c.2546A>G, p.Gln849Arg (NM_001377222.1, NM_001377223.1); c.2543A>G, p.Gln848Arg (NM_001377224.1); short protein forms Q850R, Q508R, Q851R, Q848R, Q849R.
Identifiers: ClinVar variation 2625283 (VCV002625283.2), dbSNP rs2529812204, ClinGen allele CA348903306.